The following is an entry in ClinVar:

NM_032043.3(BRIP1):c.3270A>G (p.Glu1090=)

Gene: BRIP1 (BRCA1 interacting DNA helicase 1; minus strand). Cytogenetic location: 17q23.2.
Variant type: single nucleotide variant.
Coding change: c.3270A>G on transcript NM_032043.3 (MANE Select); coding-DNA position 3270, A replaced by G.
Protein change: p.Glu1090=; no amino-acid change (glutamic acid 1090 retained).
Molecular consequence: synonymous variant.
Genome position (GRCh38, 1-based): chr17:61,683,776, T>C on the plus strand (A>G on the coding strand, the complement: BRIP1 is on the minus strand). VCF-style: chr17-61683776-T-C. GRCh37 (hg19) VCF-style: chr17-59761137-T-C.
Identifiers: ClinVar variation 701908 (VCV000701908.14), dbSNP rs1358278249, ClinGen allele CA501335188.

ClinVar aggregate classification (germline): Benign/Likely benign. Review status: criteria provided, multiple submitters, no conflicts (2 of 4 stars). 3 submissions from 3 submitters: Benign (1); Likely benign (2). Last evaluated 2025-06-11.

Conditions:
Familial cancer of breast. Also called: BREAST CANCER, FAMILIAL; hereditary breast carcinoma; Hereditary breast cancer. Identifiers: Orphanet 227535, MedGen C0346153, MONDO:0016419, OMIM 114480. Disease mechanism: loss of function.
Fanconi anemia complementation group J. Also called: BRIP1-Related Fanconi Anemia. Identifiers: Orphanet 84, MedGen C1836860, MONDO:0012187, OMIM 609054.
Hereditary cancer-predisposing syndrome. Also called: Tumor predisposition; Hereditary neoplastic syndrome; Hereditary Cancer Syndrome; Neoplastic Syndromes, Hereditary. Identifiers: Orphanet 140162, MedGen C0027672, MeSH D009386, MONDO:0015356.

Allele frequency attached by ClinVar (database versions not stated): gnomAD exomes below 0.00001.

Submissions (3):

Labcorp Genetics (formerly Invitae), Labcorp
Classification: Likely benign for Familial cancer of breast; Fanconi anemia complementation group J. Last evaluated: 2025-06-11. Review status: criteria provided, single submitter. Criteria: Invitae Variant Classification Sherloc (09022015). Collection method: clinical testing. Allele origin: germline.

Myriad Genetics, Inc.
Classification: Benign for Familial cancer of breast. Last evaluated: 2024-09-10. Review status: criteria provided, single submitter. Criteria: Myriad Autosomal Dominant, Autosomal Recessive and X-Linked Classification Criteria (2023). Collection method: clinical testing. Allele origin: unknown.
Comment: This variant is considered benign. This variant is a silent/synonymous amino acid change and it is not expected to impact splicing.

Ambry Genetics
Classification: Likely benign for Hereditary cancer-predisposing syndrome. Last evaluated: 2023-05-04. Review status: criteria provided, single submitter. Criteria: Ambry Variant Classification Scheme 2023. Collection method: clinical testing. Allele origin: germline.